The following is an entry in ClinVar:

NM_000256.3(MYBPC3):c.549C>T (p.Leu183=)

Gene: MYBPC3 (myosin binding protein C3; minus strand). Cytogenetic location: 11p11.2.
Variant type: single nucleotide variant.
Coding change: c.549C>T on transcript NM_000256.3 (MANE Select); coding-DNA position 549, C replaced by T.
Protein change: p.Leu183=; no amino-acid change (leucine 183 retained).
Molecular consequence: synonymous variant.
Genome position (GRCh38, 1-based): chr11:47,349,879, G>A on the plus strand (C>T on the coding strand, the complement: MYBPC3 is on the minus strand). VCF-style: chr11-47349879-G-A. GRCh37 (hg19) VCF-style: chr11-47371430-G-A.
Identifiers: ClinVar variation 704145 (VCV000704145.13), dbSNP rs368604485, ClinGen allele CA055956.

ClinVar aggregate classification (germline): Likely benign. Review status: criteria provided, multiple submitters, no conflicts (2 of 4 stars). 4 submissions from 4 submitters: Likely benign (4). Last evaluated 2024-12-03.

Conditions:
Hypertrophic cardiomyopathy. Also called: HYPERTROPHIC MYOCARDIOPATHY. Identifiers: Orphanet 217569, MedGen C0007194, MeSH D002312, MONDO:0005045, HP:0001639.
Cardiovascular phenotype. Identifiers: MedGen CN230736.
Cardiomyopathy (CMYO). Also called: Cardiomyopathies. Identifiers: Orphanet 167848, MedGen C0878544, MONDO:0004994, HP:0001638. Inheritance: Various modes of inheritance.

Allele frequency attached by ClinVar (database versions not stated): gnomAD exomes 0.00002 and 0.00004; gnomAD 0.00001; ExAC 0.00005; ESP Exome Variant Server 0.00008; TOPMed 0.00002.
gnomAD v4.1: 26 of 1,611,828 alleles (0.0016%); highest among the groups gnomAD compares: East Asian, 0.047%; no homozygotes.

Submissions (4):

Labcorp Genetics (formerly Invitae), Labcorp
Classification: Likely benign for Hypertrophic cardiomyopathy. Last evaluated: 2024-12-03. Review status: criteria provided, single submitter. Criteria: Invitae Variant Classification Sherloc (09022015). Collection method: clinical testing. Allele origin: germline.

Ambry Genetics
Classification: Likely benign for Cardiovascular phenotype. Last evaluated: 2024-11-17. Review status: criteria provided, single submitter. Criteria: Ambry Variant Classification Scheme 2023. Collection method: clinical testing. Allele origin: germline.

All of Us Research Program, National Institutes of Health
Classification: Likely benign for Hypertrophic cardiomyopathy. Last evaluated: 2023-10-02. Review status: criteria provided, single submitter. Criteria: ACMG Guidelines, 2015. Collection method: clinical testing. Allele origin: germline. Inheritance: Autosomal dominant inheritance. Observed: 3 variant alleles, 3 heterozygotes.
Comment: This study involves interpretation of variants in research participants for the purpose of population health screening. Participant phenotype was not available at the time of variant classification. Additional details can be found in publication PMID: 35346344, PMCID: PMC8962531

Color Diagnostics, LLC DBA Color Health
Classification: Likely benign for Cardiomyopathy. Last evaluated: 2019-03-24. Review status: criteria provided, single submitter. Criteria: ACMG Guidelines, 2015. Collection method: clinical testing. Allele origin: germline.